The following is an entry in ClinVar:

ClinVar aggregate classification (germline): Likely benign (1 of 4 stars; one submission).

gnomAD v4.1: 10 of 1,162,779 alleles (0.00086%); highest among the groups gnomAD compares: South Asian, 0.0098%; no homozygotes.

Submission:

CeGaT Center for Human Genetics Tuebingen
Classification: Likely benign. Last evaluated: 2022-03-01. Review status: criteria provided, single submitter. Criteria: CeGaT Center For Human Genetics Tuebingen Variant Classification Criteria Version 2. Collection method: clinical testing. Allele origin: germline. Affected: yes. Observed: 1 variant allele.
Comment: MAP3K15: BP4, BP7

NM_001001671.4(MAP3K15):c.1206G>A (p.Ser402=)

Gene: MAP3K15 (mitogen-activated protein kinase kinase kinase 15; minus strand). Cytogenetic location: Xp22.12.
Variant type: single nucleotide variant.
Coding change: c.1206G>A on transcript NM_001001671.4 (MANE Select); coding-DNA position 1206, G replaced by A.
Protein change: p.Ser402=; no amino-acid change (serine 402 retained).
Molecular consequence: synonymous variant.
Genome position (GRCh38, 1-based): chrX:19,426,304, C>T on the plus strand (G>A on the coding strand, the complement: MAP3K15 is on the minus strand). VCF-style: chrX-19426304-C-T. GRCh37 (hg19) VCF-style: chrX-19444422-C-T.
Identifiers: ClinVar variation 2660131 (VCV002660131.24), dbSNP rs374377938, ClinGen allele CA10364124.
Genomic context (GRCh38, chrX:19,426,304, plus strand): 5'-TTCCAAGGAAGTTTCAAATTGTTGTCCAGCAACAATCAGCAAAACTGCAAGATTAATTCC[C>T]GAATAGAGGGATGACTGGAGTTCAAACCCTTTGCGATACCTATAATTACAGAACCACCAA-3'
Protein context (NP_001001671.3, residues 392-412): KGFELQSSLY[Ser402=]GINLAVLLIV